The following is an entry in ClinVar:

ClinVar aggregate classification (germline): Conflicting classifications of pathogenicity. Review status: criteria provided, conflicting classifications (1 of 4 stars). 5 submissions from 5 submitters: Uncertain significance (1); Benign (1); Likely benign (1). 2 of the submissions do not count toward it. Last evaluated 2026-01-26.

Conditions:
SMPD1-related disorder. Also called: SMPD1-related condition.
Inborn genetic diseases. Identifiers: MedGen C0950123, MeSH D030342.
Niemann-Pick disease, type A. Also called: SPHINGOMYELIN LIPIDOSIS; SPHINGOMYELINASE DEFICIENCY; Infantile Neurovisceral ASMD (Niemann-Pick Disease Type A; NPD-A). Identifiers: Orphanet 77292, MedGen C0268242, MONDO:0009756, OMIM 257200. Disease mechanism: loss of function.
Niemann-Pick disease, type B. Also called: Chronic Visceral ASMD (Niemann-Pick Disease Type B; NPD-B). Identifiers: Orphanet 77293, MedGen C0268243, MONDO:0011871, OMIM 607616. Disease mechanism: loss of function.

Allele frequency attached by ClinVar (database versions not stated): gnomAD exomes 0.00010 and 0.00025; ExAC 0.00027; ESP Exome Variant Server 0.00062; gnomAD 0.00097 and 0.00104; TOPMed 0.00100; 1000 Genomes Project 0.00160; 1000 Genomes Project 30x 0.00203.
gnomAD v4.1: 305 of 1,613,470 alleles (0.019%); highest among the groups gnomAD compares: African/African-American, 0.32%; no homozygotes.

Submissions (5):

Labcorp Genetics (formerly Invitae), Labcorp
Classification: Benign for Niemann-Pick disease, type B; Niemann-Pick disease, type A. Last evaluated: 2026-01-26. Review status: criteria provided, single submitter. Criteria: Invitae Variant Classification Sherloc (09022015). Collection method: clinical testing. Allele origin: germline.

Ambry Genetics
Classification: Likely benign for Inborn genetic diseases. Last evaluated: 2023-05-15. Review status: criteria provided, single submitter. Criteria: Ambry Variant Classification Scheme 2023. Collection method: clinical testing. Allele origin: germline.

Eurofins Ntd Llc (ga)
Classification: Uncertain significance. Last evaluated: 2017-12-11. Review status: criteria provided, single submitter. Criteria: EGL Classification Definitions 2015. Collection method: clinical testing. Allele origin: germline. Observed: 5 variant alleles, 5 heterozygotes.

PreventionGenetics, part of Exact Sciences
Classification: Likely benign for SMPD1-related condition. Last evaluated: 2019-02-18. Review status: no assertion criteria provided. Collection method: clinical testing. Allele origin: germline. Not counted in ClinVar's aggregate classification.
Comment: This variant is classified as likely benign based on ACMG/AMP sequence variant interpretation guidelines (Richards et al. 2015 PMID: 25741868, with internal and published modifications).

Natera, Inc.
Classification: Likely benign for Niemann-Pick Disease, Types A/B. Last evaluated: 2017-05-05. Review status: no assertion criteria provided. Collection method: clinical testing. Allele origin: germline. Not counted in ClinVar's aggregate classification.

NM_000543.5(SMPD1):c.762G>A (p.Leu254=)

Gene: SMPD1 (sphingomyelin phosphodiesterase 1; plus strand). Cytogenetic location: 11p15.4.
Variant type: single nucleotide variant.
Coding change: c.762G>A on transcript NM_000543.5 (MANE Select); coding-DNA position 762, G replaced by A.
Protein change: p.Leu254=; no amino-acid change (leucine 254 retained).
Molecular consequence: synonymous variant. On other transcripts: 5 prime UTR variant (1), non-coding transcript variant (1).
Genome position (GRCh38, 1-based): chr11:6,391,827, G>A. VCF-style: chr11-6391827-G-A. GRCh37 (hg19) VCF-style: chr11-6413057-G-A.
Other names: c.759G>A, p.Leu253= (NM_001007593.3); c.762G>A, p.Leu254= (NM_001318087.2, NM_001365135.2); c.-200G>A (NM_001318088.2).
Identifiers: ClinVar variation 289880 (VCV000289880.19), dbSNP rs143939609, ClinGen allele CA5852680.
Genomic context (GRCh38, chr11:6,391,827, plus strand): 5'-CCTGCCGCCCGCATCCCGGCCAGGTGCCGGATACTGGGGCGAATACAGCAAGTGTGACCT[G>A]CCCCTGAGGACCCTGGAGAGCCTGTTGAGTGGGCTGGGCCCAGCCGGCCCTTTTGATATG-3'
Protein context (NP_000534.3, residues 244-264): GYWGEYSKCD[Leu254=]PLRTLESLLS